The following is an entry in ClinVar:

NM_001277115.2(DNAH11):c.3495_3496delinsAT (p.Asp1165_His1166delinsGluTyr)

Gene: DNAH11 (dynein axonemal heavy chain 11; plus strand). Cytogenetic location: 7p15.3.
Variant type: Indel.
Coding change: c.3495_3496delinsAT on transcript NM_001277115.2 (MANE Select); coding-DNA positions 3495 to 3496, TC replaced by AT.
Protein change: p.Asp1165_His1166delinsGluTyr.
Molecular consequence: missense variant.
Genome position (GRCh38, 1-based): chr7:21,601,465-21,601,466, TC replaced by AT. VCF-style: chr7-21601465-TC-AT. GRCh37 (hg19) VCF-style: chr7-21641083-TC-AT.
Identifiers: ClinVar variation 1519116 (VCV001519116.5), dbSNP rs2128447235, ClinGen allele CA2573142040.

ClinVar aggregate classification (germline): Uncertain significance (1 of 4 stars; one submission).

Conditions:
Primary ciliary dyskinesia. Also called: Ciliary dyskinesia. Identifiers: Orphanet 244, MedGen C0008780, MONDO:0016575, HP:0012265.

Submission:

Labcorp Genetics (formerly Invitae), Labcorp
Classification: Uncertain significance for Primary ciliary dyskinesia. Last evaluated: 2022-08-23. Review status: criteria provided, single submitter. Criteria: Invitae Variant Classification Sherloc (09022015). Collection method: clinical testing. Allele origin: germline.
Comment: This variant, c.3495_3496delinsAT, is a complex sequence change that results in the deletion of two and insertion of two amino acid(s) in the DNAH11 protein (p.Asp1165_His1166delinsGluTyr). Information on the frequency of this variant in the gnomAD database is not available, as this variant may be reported differently in the database. This variant has not been reported in the literature in individuals affected with DNAH11-related conditions. ClinVar contains an entry for this variant (Variation ID: 1519116). Experimental studies and prediction algorithms are not available or were not evaluated, and the functional significance of this variant is currently unknown. In summary, the available evidence is currently insufficient to determine the role of this variant in disease. Therefore, it has been classified as a Variant of Uncertain Significance.